The following is an entry in ClinVar:

NM_018026.4(PACS1):c.1036G>T (p.Glu346Ter)

Gene: PACS1 (phosphofurin acidic cluster sorting protein 1; plus strand). Cytogenetic location: 11q13.2.
Variant type: single nucleotide variant.
Coding change: c.1036G>T on transcript NM_018026.4 (MANE Select); coding-DNA position 1036, G replaced by T.
Protein change: p.Glu346Ter; replaces glutamic acid 346 with a stop codon.
Molecular consequence: nonsense.
Genome position (GRCh38, 1-based): chr11:66,219,803, G>T. VCF-style: chr11-66219803-G-T. GRCh37 (hg19) VCF-style: chr11-65987274-G-T.
Other names: short protein forms E346*.
Identifiers: ClinVar variation 3371492 (VCV003371492.1).

ClinVar aggregate classification (germline): Uncertain significance (1 of 4 stars; one submission).

Submission:

GeneDx
Classification: Uncertain significance. Last evaluated: 2024-03-26. Review status: criteria provided, single submitter. Criteria: GeneDx Variant Classification Process June 2021. Collection method: clinical testing. Allele origin: germline. Affected: yes.
Comment: Not observed at significant frequency in large population cohorts (gnomAD); Nonsense variant predicted to result in protein truncation or nonsense mediated decay in a gene or region of a gene for which loss of function is not a well-established mechanism of disease; Has not been previously published as pathogenic or benign to our knowledge